The following is an entry in ClinVar:

NM_001032382.2(PQBP1):c.642-5G>A

Genes: PQBP1 (polyglutamine binding protein 1; plus strand), SLC35A2 (solute carrier family 35 member A2; minus strand). Cytogenetic location: Xp11.23.
Variant type: single nucleotide variant.
Coding change: c.642-5G>A on transcript NM_001032382.2 (MANE Select); 5 bases into the intron before coding-DNA position 642, G replaced by A.
Molecular consequence: intron variant.
Genome position (GRCh38, 1-based): chrX:48,902,923, G>A. VCF-style: chrX-48902923-G-A. GRCh37 (hg19) VCF-style: chrX-48760200-G-A.
Other names: c.642-5G>A (NM_001032383.2, NM_001032381.2, NM_005710.2 and 1 more transcripts); c.357-5G>A (NM_144495.3); c.639-5G>A (NM_001167989.2); c.618-5G>A (NM_001167990.2); c.342-5G>A (NM_001167992.1).
Identifiers: ClinVar variation 871204 (VCV000871204.42), dbSNP rs2063449483, ClinGen allele CA1139667537.

ClinVar aggregate classification (germline): Uncertain significance. Review status: criteria provided, multiple submitters, no conflicts (2 of 4 stars). 3 submissions from 3 submitters: Uncertain significance (3). Last evaluated 2024-08-14.

Conditions:
Renpenning syndrome. Also called: SUTHERLAND-HAAN X-LINKED MENTAL RETARDATION SYNDROME; Mental retardation, X-linked Renpenning type; X-linked mental retardation with spastic diplegia; X-linked mental retardation syndromic 3; Sutherland-Haan syndrome; MENTAL RETARDATION, X-LINKED 55. Identifiers: Orphanet 3242, MedGen C0796135, MONDO:0010653, OMIM 309500.

Submissions (3):

3billion
Classification: Uncertain significance for Renpenning syndrome. Last evaluated: 2024-08-14. Review status: criteria provided, single submitter. Criteria: ACMG Guidelines, 2015. Collection method: clinical testing. Allele origin: germline. Affected: yes.
Comment: The variant is not observed in the gnomAD v4.0.0 dataset. Predicted Consequence/Location: Intron variant In silico tools predict the variant to alter splicing and produce an abnormal transcript [SpliceAI: 0.95 (>=0.2, moderate evidence for spliceogenicity)]. The variant has been reported as of uncertain significance (ClinVar ID: VCV000871204). Therefore, this variant is classified as VUS according to the recommendation of ACMG/AMP guideline.

GeneDx
Classification: Uncertain significance. Last evaluated: 2023-01-27. Review status: criteria provided, single submitter. Criteria: GeneDx Variant Classification Process June 2021. Collection method: clinical testing. Allele origin: germline. Affected: yes.
Comment: Not observed at significant frequency in large population cohorts (gnomAD); In silico analysis supports a deleterious effect on splicing; Has not been previously published as pathogenic or benign to our knowledge

CeGaT Center for Human Genetics Tuebingen
Classification: Uncertain significance. Last evaluated: 2020-01-01. Review status: criteria provided, single submitter. Criteria: CeGaT Center For Human Genetics Tuebingen Variant Classification Criteria Version 2. Collection method: clinical testing. Allele origin: germline. Affected: yes. Observed: 2 variant alleles.